The following is an entry in ClinVar:

ClinVar aggregate classification (germline): Uncertain significance. Review status: criteria provided, multiple submitters, no conflicts (2 of 4 stars). 2 submissions from 2 submitters: Uncertain significance (2). Last evaluated 2026-01-08.

Allele frequency attached by ClinVar (database versions not stated): gnomAD 0.00008 and 0.00010; gnomAD exomes 0.00009 and 0.00011; TOPMed 0.00010; ExAC 0.00012.

Submissions (2):

Labcorp Genetics (formerly Invitae), Labcorp
Classification: Uncertain significance. Last evaluated: 2026-01-08. Review status: criteria provided, single submitter. Criteria: Invitae Variant Classification Sherloc (09022015). Collection method: clinical testing. Allele origin: germline.
Comment: This sequence change replaces arginine, which is basic and polar, with tryptophan, which is neutral and slightly polar, at codon 349 of the FBN3 protein (p.Arg349Trp). This variant is present in population databases (rs200666277, gnomAD 0.1%), and has an allele count higher than expected for a pathogenic variant. This variant has not been reported in the literature in individuals affected with FBN3-related conditions. ClinVar contains an entry for this variant (Variation ID: 1517550). Invitae Evidence Modeling of protein sequence and biophysical properties (such as structural, functional, and spatial information, amino acid conservation, physicochemical variation, residue mobility, and thermodynamic stability) indicates that this missense variant is expected to disrupt FBN3 protein function with a positive predictive value of 80%. In summary, the available evidence is currently insufficient to determine the role of this variant in disease. Therefore, it has been classified as a Variant of Uncertain Significance.

Ambry Genetics
Classification: Uncertain significance. Last evaluated: 2024-07-31. Review status: criteria provided, single submitter. Criteria: Ambry Variant Classification Scheme 2023. Collection method: clinical testing. Allele origin: germline.

NM_032447.5(FBN3):c.1045C>T (p.Arg349Trp)

Gene: FBN3 (fibrillin 3; minus strand). Cytogenetic location: 19p13.2.
Variant type: single nucleotide variant.
Coding change: c.1045C>T on transcript NM_032447.5 (MANE Select); coding-DNA position 1045, C replaced by T.
Protein change: p.Arg349Trp; replaces arginine 349 with tryptophan.
Molecular consequence: missense variant.
Genome position (GRCh38, 1-based): chr19:8,138,297, G>A on the plus strand (C>T on the coding strand, the complement: FBN3 is on the minus strand). VCF-style: chr19-8138297-G-A. GRCh37 (hg19) VCF-style: chr19-8203181-G-A.
Other names: c.1045C>T, p.Arg349Trp (NM_001321431.2); c.1045C>T (NM_032447.3); short protein forms R349W.
Identifiers: ClinVar variation 1517550 (VCV001517550.7), dbSNP rs200666277, ClinGen allele CA9153484.